The following is an entry in ClinVar:

NM_002907.4(RECQL):c.1825G>C (p.Glu609Gln)

Genes: PYROXD1 (pyridine nucleotide-disulphide oxidoreductase domain 1; plus strand), RECQL (RecQ like helicase; minus strand). Cytogenetic location: 12p12.1.
Variant type: single nucleotide variant.
Coding change: c.1825G>C on transcript NM_002907.4 (MANE Select); coding-DNA position 1825, G replaced by C.
Protein change: p.Glu609Gln; replaces glutamic acid 609 with glutamine.
Molecular consequence: missense variant. On other transcripts: 3 prime UTR variant (3).
Genome position (GRCh38, 1-based): chr12:21,470,319, C>G on the plus strand (G>C on the coding strand, the complement: RECQL is on the minus strand). VCF-style: chr12-21470319-C-G. GRCh37 (hg19) VCF-style: chr12-21623253-C-G.
Other names: c.1825G>C, p.Glu609Gln (NM_032941.3); c.*1565C>G (NM_001350912.2, NM_001350913.2, NM_024854.5); short protein forms E609Q.
Identifiers: ClinVar variation 4152302 (VCV004152302.1).
Genomic context (GRCh38, chr12:21,470,319, plus strand): 5'-TTGCAGCCTTCTTCTGGAAGTTGCCTGAATTTTTTTCCTCCATCTTTTTATCACCTTGTT[C>G]AGAATGACAAGTTTGAGACGATTCAGCCTACAAAAAAAAAAAAAAAACAAAGCAAGCACC-3'
Protein context (NP_002898.2, residues 599-619): RAESSQTCHS[Glu609Gln]QGDKKMEEKN

ClinVar aggregate classification (germline): Uncertain significance (1 of 4 stars; one submission).

Submission:

Ambry Genetics
Classification: Uncertain significance. Last evaluated: 2025-06-23. Review status: criteria provided, single submitter. Criteria: Ambry Variant Classification Scheme 2023. Collection method: clinical testing. Allele origin: germline.
Comment: The p.E609Q variant (also known as c.1825G>C), located in coding exon 14 of the RECQL gene, results from a G to C substitution at nucleotide position 1825. The glutamic acid at codon 609 is replaced by glutamine, an amino acid with highly similar properties. This amino acid position is conserved. In addition, this alteration is predicted to be tolerated by in silico analysis. Based on the available evidence, the clinical significance of this variant remains unclear.